The following is an entry in ClinVar:

ClinVar aggregate classification (germline): Uncertain significance. Review status: criteria provided, multiple submitters, no conflicts (2 of 4 stars). 2 submissions from 2 submitters: Uncertain significance (2). Last evaluated 2025-04-07.

Conditions:
Hereditary cancer-predisposing syndrome. Also called: Tumor predisposition; Hereditary Cancer Syndrome; Hereditary neoplastic syndrome; Neoplastic Syndromes, Hereditary. Identifiers: Orphanet 140162, MedGen C0027672, MeSH D009386, MONDO:0015356.

gnomAD v4.1: 1 of 1,605,914 alleles (0.000062%); highest among the groups gnomAD compares: Non-Finnish European, 0.000085%; no homozygotes.

Submissions (2):

Ambry Genetics
Classification: Uncertain significance for Hereditary cancer-predisposing syndrome. Last evaluated: 2025-04-07. Review status: criteria provided, single submitter. Criteria: Ambry Variant Classification Scheme 2023. Collection method: clinical testing. Allele origin: germline.
Comment: The p.R685L variant (also known as c.2054G>T), located in coding exon 19 of the POLE gene, results from a G to T substitution at nucleotide position 2054. The arginine at codon 685 is replaced by leucine, an amino acid with dissimilar properties. This amino acid position is conserved. In addition, the in silico prediction for this alteration is inconclusive. Since supporting evidence is limited at this time, the clinical significance of this alteration remains unclear.

Labcorp Genetics (formerly Invitae), Labcorp
Classification: Uncertain significance. Last evaluated: 2023-03-31. Review status: criteria provided, single submitter. Criteria: Invitae Variant Classification Sherloc (09022015). Collection method: clinical testing. Allele origin: germline.
Comment: This sequence change replaces arginine, which is basic and polar, with leucine, which is neutral and non-polar, at codon 685 of the POLE protein (p.Arg685Leu). In summary, the available evidence is currently insufficient to determine the role of this variant in disease. Therefore, it has been classified as a Variant of Uncertain Significance. Advanced modeling of protein sequence and biophysical properties (such as structural, functional, and spatial information, amino acid conservation, physicochemical variation, residue mobility, and thermodynamic stability) performed at Invitae indicates that this missense variant is not expected to disrupt POLE protein function. ClinVar contains an entry for this variant (Variation ID: 1444443). This variant has not been reported in the literature in individuals affected with POLE-related conditions. This variant is present in population databases (no rsID available, gnomAD 0.007%).

NM_006231.4(POLE):c.2054G>T (p.Arg685Leu)

Gene: POLE (DNA polymerase epsilon, catalytic subunit; minus strand). Cytogenetic location: 12q24.33.
Variant type: single nucleotide variant.
Coding change: c.2054G>T on transcript NM_006231.4 (MANE Select); coding-DNA position 2054, G replaced by T.
Protein change: p.Arg685Leu; replaces arginine 685 with leucine.
Molecular consequence: missense variant.
Genome position (GRCh38, 1-based): chr12:132,668,475, C>A on the plus strand (G>T on the coding strand, the complement: POLE is on the minus strand). VCF-style: chr12-132668475-C-A. GRCh37 (hg19) VCF-style: chr12-133245061-C-A.
Other names: c.2054G>T (NM_006231.2); short protein forms R685L.
Identifiers: ClinVar variation 1444443 (VCV001444443.8), dbSNP rs770597683, ClinGen allele CA387354323.